The following is an entry in ClinVar:

ClinVar aggregate classification (germline): Uncertain significance (1 of 4 stars; one submission).

Submission:

GeneDx
Classification: Uncertain significance. Last evaluated: 2020-06-24. Review status: criteria provided, single submitter. Criteria: GeneDx Variant Classification Process June 2021. Collection method: clinical testing. Allele origin: germline. Affected: yes.
Comment: Not observed in large population cohorts (Lek et al., 2016); In silico analysis supports that this variant does not alter protein structure/function; Has not been previously published as pathogenic or benign to our knowledge

NM_001353345.2(SETD1B):c.256_257delinsAA (p.Ser86Lys)

Gene: SETD1B (SET domain containing 1B, histone lysine methyltransferase; plus strand). Cytogenetic location: 12q24.31.
Variant type: Indel.
Coding change: c.256_257delinsAA on transcript NM_001353345.2 (MANE Select); coding-DNA positions 256 to 257, TC replaced by AA.
Protein change: p.Ser86Lys; replaces serine 86 with lysine.
Molecular consequence: missense variant.
Genome position (GRCh38, 1-based): chr12:121,805,199-121,805,200, TC replaced by AA. VCF-style: chr12-121805199-TC-AA. GRCh37 (hg19) VCF-style: chr12-122243105-TC-AA.
Other names: short protein forms S86K.
Identifiers: ClinVar variation 1320973 (VCV001320973.2), dbSNP rs2137542545, ClinGen allele CA2573053622.
Genomic context (GRCh38, chr12:121,805,199, plus strand): 5'-GAAATTGTCGAAGATCCCCGGGTCGTCGGGATCTGGACCAAAAACAAGGAGCTGGAGCTG[TC>AA]GGTGCCCAAATTCAAGGTAGGACCCCTCCCCACTGCCCCGCCGTCCCTCCCCCACCTCCC-3'
Protein context (NP_001340274.1, residues 76-96): IWTKNKELEL[Ser86Lys]VPKFKIDEFY